The following is an entry in ClinVar:

NM_052867.4(NALCN):c.257T>C (p.Met86Thr)

Gene: NALCN (sodium leak channel, non-selective; minus strand). Cytogenetic location: 13q33.1.
Variant type: single nucleotide variant.
Coding change: c.257T>C on transcript NM_052867.4 (MANE Select); coding-DNA position 257, T replaced by C.
Protein change: p.Met86Thr; replaces methionine 86 with threonine.
Molecular consequence: missense variant.
Genome position (GRCh38, 1-based): chr13:101,395,217, A>G on the plus strand (T>C on the coding strand, the complement: NALCN is on the minus strand). VCF-style: chr13-101395217-A-G. GRCh37 (hg19) VCF-style: chr13-102047568-A-G.
Other names: c.257T>C, p.Met86Thr (NM_001350748.2, NM_001350749.2, NM_001350750.2 and 1 more transcripts); c.257T>C (NM_052867.2); short protein forms M86T.
Identifiers: ClinVar variation 2074122 (VCV002074122.6), dbSNP rs999891200, ClinGen allele CA256082617.

ClinVar aggregate classification (germline): Uncertain significance. Review status: criteria provided, multiple submitters, no conflicts (2 of 4 stars). 3 submissions from 3 submitters: Uncertain significance (3). Last evaluated 2025-12-11.

Conditions:
Inborn genetic diseases. Identifiers: MedGen C0950123, MeSH D030342.

Allele frequency attached by ClinVar (database versions not stated): gnomAD exomes below 0.00001; TOPMed 0.00003; gnomAD 0.00006.
gnomAD v4.1: 14 of 1,613,564 alleles (0.00087%); highest among the groups gnomAD compares: African/African-American, 0.013%; no homozygotes.

Submissions (3):

Ambry Genetics
Classification: Uncertain significance for Inborn genetic diseases. Last evaluated: 2025-12-11. Review status: criteria provided, single submitter. Criteria: Ambry Variant Classification Scheme 2023. Collection method: clinical testing. Allele origin: germline.
Comment: The c.257T>C (p.M86T) alteration is located in exon 3 (coding exon 2) of the NALCN gene. This alteration results from a T to C substitution at nucleotide position 257, causing the methionine (M) at amino acid position 86 to be replaced by a threonine (T). Based on data from gnomAD, the C allele has an overall frequency of 0.001% (2/282120) total alleles studied. The highest observed frequency was 0.014% (1/7194) of Other alleles. Based on insufficient or conflicting evidence, the clinical significance of this alteration remains unclear.

Women's Health and Genetics/Laboratory Corporation of America, LabCorp
Classification: Uncertain significance. Last evaluated: 2025-11-25. Review status: criteria provided, single submitter. Criteria: LabCorp Variant Classification Summary - May 2015. Collection method: clinical testing. Allele origin: germline.
Comment: Variant summary: NALCN c.257T>C (p.Met86Thr) results in a non-conservative amino acid change in the encoded protein sequence. Algorithms developed to predict the effect of missense changes on protein structure and function all suggest that this variant is likely to be disruptive. The variant allele was found at a frequency of 4e-06 in 250720 control chromosomes. The available data on variant occurrences in the general population are insufficient to allow any conclusion about variant significance. To our knowledge, no occurrence of c.257T>C in individuals affected with NALCN-related conditions and no experimental evidence demonstrating its impact on protein function have been reported. ClinVar contains an entry for this variant (Variation ID: 2074122). Based on the evidence outlined above, the variant was classified as uncertain significance.

Labcorp Genetics (formerly Invitae), Labcorp
Classification: Uncertain significance. Last evaluated: 2022-09-09. Review status: criteria provided, single submitter. Criteria: Invitae Variant Classification Sherloc (09022015). Collection method: clinical testing. Allele origin: germline.
Comment: This sequence change replaces methionine, which is neutral and non-polar, with threonine, which is neutral and polar, at codon 86 of the NALCN protein (p.Met86Thr). This variant is present in population databases (no rsID available, gnomAD 0.01%). This variant has not been reported in the literature in individuals affected with NALCN-related conditions. In summary, the available evidence is currently insufficient to determine the role of this variant in disease. Therefore, it has been classified as a Variant of Uncertain Significance. Advanced modeling of protein sequence and biophysical properties (such as structural, functional, and spatial information, amino acid conservation, physicochemical variation, residue mobility, and thermodynamic stability) performed at Invitae indicates that this missense variant is not expected to disrupt NALCN protein function.